The following is an entry in ClinVar:

NC_012920.1(MT-TD):m.7581T>C

Gene: MT-TD (mitochondrially encoded tRNA aspartic acid; plus strand).
Variant type: single nucleotide variant.
Genome position: chrM-7581-T-C.
Identifiers: ClinVar variation 690059 (VCV000690059.1), dbSNP rs201582552, ClinGen allele CA337097653.

ClinVar aggregate classification (germline): Benign (1 of 4 stars; one submission).

Conditions:
MELAS syndrome (MELAS). Also called: Juvenile myopathy, encephalopathy, lactic acidosis, stroke. Identifiers: Orphanet 550, MedGen C0162671, MONDO:0010789, OMIM 540000.

Submission:

Wong Mito Lab, Molecular and Human Genetics, Baylor College of Medicine
Classification: Benign for MELAS syndrome. Last evaluated: 2019-07-12. Review status: criteria provided, single submitter. Criteria: Modified ACMG Guidelines (Unpublished). Collection method: clinical testing. Allele origin: germline.
Comment: The NC_012920.1:m.7581T>C variant in MT-TD gene is interpreted to be a Benign variant based on the modified ACMG guidelines (unpublished). This variant meets the following evidence codes reported in the guidelines: BS1, BS2, BP4

Literature cited by the submitters: PubMed 31965079.